The following is an entry in ClinVar:

ClinVar aggregate classification (germline): Uncertain significance. Review status: criteria provided, multiple submitters, no conflicts (2 of 4 stars). 2 submissions from 2 submitters: Uncertain significance (2). Last evaluated 2022-03-31.

Conditions:
Glycogen storage disease IXb (GSD9B). Also called: GLYCOGENOSIS OF LIVER AND MUSCLE, AUTOSOMAL RECESSIVE; GSD IXb; PHOSPHORYLASE KINASE DEFICIENCY OF LIVER AND MUSCLE, AUTOSOMAL RECESSIVE. Identifiers: Orphanet 79240, MedGen C0543514, MONDO:0009868, OMIM 261750.

Allele frequency attached by ClinVar (database versions not stated): gnomAD exomes 0.00002; TOPMed 0.00002; ExAC 0.00003; gnomAD 0.00003.
gnomAD v4.1: 34 of 1,612,238 alleles (0.0021%); highest among the groups gnomAD compares: Middle Eastern, 0.082%; no homozygotes.

Submissions (2):

Labcorp Genetics (formerly Invitae), Labcorp
Classification: Uncertain significance for Glycogen storage disease IXb. Last evaluated: 2022-03-31. Review status: criteria provided, single submitter. Criteria: Invitae Variant Classification Sherloc (09022015). Collection method: clinical testing. Allele origin: germline.
Comment: This sequence change replaces threonine, which is neutral and polar, with alanine, which is neutral and non-polar, at codon 761 of the PHKB protein (p.Thr761Ala). This variant is present in population databases (rs770030450, gnomAD 0.008%). This variant has not been reported in the literature in individuals affected with PHKB-related conditions. Algorithms developed to predict the effect of missense changes on protein structure and function are either unavailable or do not agree on the potential impact of this missense change (SIFT: "Deleterious"; PolyPhen-2: "Benign"; Align-GVGD: "Class C0"). In summary, the available evidence is currently insufficient to determine the role of this variant in disease. Therefore, it has been classified as a Variant of Uncertain Significance.

Blueprint Genetics
Classification: Uncertain significance. Last evaluated: 2019-09-13. Review status: criteria provided, single submitter. Criteria: ACMG Guidelines, 2015. Collection method: clinical testing. Allele origin: germline.

NM_000293.3(PHKB):c.2281A>G (p.Thr761Ala)

Gene: PHKB (phosphorylase kinase regulatory subunit beta; plus strand). Cytogenetic location: 16q12.1.
Variant type: single nucleotide variant.
Coding change: c.2281A>G on transcript NM_000293.3 (MANE Select); coding-DNA position 2281, A replaced by G.
Protein change: p.Thr761Ala; replaces threonine 761 with alanine.
Molecular consequence: missense variant.
Genome position (GRCh38, 1-based): chr16:47,663,679, A>G. VCF-style: chr16-47663679-A-G. GRCh37 (hg19) VCF-style: chr16-47697590-A-G.
Other names: c.2260A>G, p.Thr754Ala (NM_001031835.3); c.2281A>G, p.Thr761Ala (NM_001363837.1); short protein forms T754A, T761A.
Identifiers: ClinVar variation 2199977 (VCV002199977.2), dbSNP rs770030450, ClinGen allele CA8041139.
Genomic context (GRCh38, chr16:47,663,679, plus strand): 5'-ATGTTGTGCATTTAATTAAAAGCTTTGTTCAACAAAGACTCTATTATCCAATGTCTAGGT[A>G]CCGTTTCTGATCACATTGAGAGAGTCTATAGAAGAGCTGGCAGCCAAAAACTTTGGTTTG-3'
Protein context (NP_000284.1, residues 751-771): EGPNFITKEG[Thr761Ala]VSDHIERVYR